The following is an entry in ClinVar:

ClinVar aggregate classification (germline): Uncertain significance. Review status: criteria provided, single submitter (1 of 4 stars). 2 submissions from 2 submitters: Uncertain significance (1). 1 of the submissions does not count toward it. Last evaluated 2024-11-04.

Conditions:
Pityriasis rubra pilaris (PRP). Also called: Pityriasis rubra pilaris--familial type. Identifiers: Orphanet 2897, MedGen C0032027, MONDO:0100017, OMIM 173200, MONDO:0008251.
Psoriasis 2. Identifiers: MedGen C1864497, MONDO:0011269, OMIM 602723.

Allele frequency attached by ClinVar (database versions not stated): TOPMed below 0.00001.

Submissions (2):

Labcorp Genetics (formerly Invitae), Labcorp
Classification: Uncertain significance for Pityriasis rubra pilaris; Psoriasis 2. Last evaluated: 2024-11-04. Review status: criteria provided, single submitter. Criteria: Invitae Variant Classification Sherloc (09022015). Collection method: clinical testing. Allele origin: germline.
Comment: This sequence change replaces aspartic acid, which is acidic and polar, with glycine, which is neutral and non-polar, at codon 285 of the CARD14 protein (p.Asp285Gly). This variant is not present in population databases (gnomAD no frequency). This missense change has been observed in individual(s) with psoriasis (PMID: 22521419). ClinVar contains an entry for this variant (Variation ID: 68786). Invitae Evidence Modeling of protein sequence and biophysical properties (such as structural, functional, and spatial information, amino acid conservation, physicochemical variation, residue mobility, and thermodynamic stability) has been performed for this missense variant. However, the output from this modeling did not meet the statistical confidence thresholds required to predict the impact of this variant on CARD14 protein function. Experimental studies have shown that this missense change does not substantially affect CARD14 function (PMID: 22521419). In summary, the available evidence is currently insufficient to determine the role of this variant in disease. Therefore, it has been classified as a Variant of Uncertain Significance.

UniProtKB/Swiss-Prot
No classification provided. Review status: no classification provided. Collection method: not provided. Allele origin: not provided. Not counted in ClinVar's aggregate classification.

Literature cited by the submitters: PubMed 22521419 (cited by Labcorp Genetics (formerly Invitae), Labcorp).

NM_001366385.1(CARD14):c.854A>G (p.Asp285Gly)

Gene: CARD14 (caspase recruitment domain family member 14; plus strand). Cytogenetic location: 17q25.3.
Variant type: single nucleotide variant.
Coding change: c.854A>G on transcript NM_001366385.1 (MANE Select); coding-DNA position 854, A replaced by G.
Protein change: p.Asp285Gly; replaces aspartic acid 285 with glycine.
Molecular consequence: missense variant. On other transcripts: non-coding transcript variant (1).
Genome position (GRCh38, 1-based): chr17:80,189,763, A>G. VCF-style: chr17-80189763-A-G. GRCh37 (hg19) VCF-style: chr17-78163562-A-G.
Other names: c.854A>G, p.Asp285Gly (NM_024110.4, NM_001257970.1); c.143A>G, p.Asp48Gly (NM_052819.3); short protein forms D285G, D48G.
Identifiers: ClinVar variation 68786 (VCV000068786.6), dbSNP rs281875219, ClinGen allele CA219922.